The following is an entry in ClinVar:

NM_138295.5(PKD1L1):c.7878C>T (p.Cys2626=)

Genes: PKD1L1 (polycystin 1 like 1, transient receptor potential channel interacting; minus strand), PKD1L1-AS1 (PKD1L1 antisense RNA 1; plus strand). Cytogenetic location: 7p12.3.
Variant type: single nucleotide variant.
Coding change: c.7878C>T on transcript NM_138295.5 (MANE Select); coding-DNA position 7878, C replaced by T.
Protein change: p.Cys2626=; no amino-acid change (cysteine 2626 retained).
Molecular consequence: synonymous variant.
Genome position (GRCh38, 1-based): chr7:47,803,294, G>A on the plus strand (C>T on the coding strand, the complement: PKD1L1 is on the minus strand). VCF-style: chr7-47803294-G-A. GRCh37 (hg19) VCF-style: chr7-47842892-G-A.
Identifiers: ClinVar variation 3057449 (VCV003057449.2), dbSNP rs371109435, ClinGen allele CA4251883.

ClinVar aggregate classification (germline): Likely benign (0 of 4 stars; one submission).

Conditions:
PKD1L1-related disorder. Also called: PKD1L1-related condition.

Allele frequency attached by ClinVar (database versions not stated): ESP Exome Variant Server 0.00008; gnomAD 0.00008; TOPMed 0.00012; ExAC 0.00015.
gnomAD v4.1: 125 of 1,613,978 alleles (0.0077%); highest among the groups gnomAD compares: East Asian, 0.08%; no homozygotes.

Submission:

PreventionGenetics, part of Exact Sciences
Classification: Likely benign for PKD1L1-related condition. Last evaluated: 2023-12-06. Review status: no assertion criteria provided. Collection method: clinical testing. Allele origin: germline.
Comment: This variant is classified as likely benign based on ACMG/AMP sequence variant interpretation guidelines (Richards et al. 2015 PMID: 25741868, with internal and published modifications).